The following is an entry in ClinVar:

ClinVar aggregate classification (germline): Uncertain significance (1 of 4 stars; one submission).

Submission:

CeGaT Center for Human Genetics Tuebingen
Classification: Uncertain significance. Last evaluated: 2024-07-01. Review status: criteria provided, single submitter. Criteria: CeGaT Center For Human Genetics Tuebingen Variant Classification Criteria Version 2. Collection method: clinical testing. Allele origin: germline. Affected: yes. Observed: 1 variant allele.
Comment: THSD1: PM2

NM_018676.4(THSD1):c.442G>A (p.Gly148Ser)

Gene: THSD1 (thrombospondin type 1 domain containing 1; minus strand). Cytogenetic location: 13q14.3.
Variant type: single nucleotide variant.
Coding change: c.442G>A on transcript NM_018676.4 (MANE Select); coding-DNA position 442, G replaced by A.
Protein change: p.Gly148Ser; replaces glycine 148 with serine.
Molecular consequence: missense variant.
Genome position (GRCh38, 1-based): chr13:52,397,811, C>T on the plus strand (G>A on the coding strand, the complement: THSD1 is on the minus strand). VCF-style: chr13-52397811-C-T. GRCh37 (hg19) VCF-style: chr13-52971946-C-T.
Other names: c.442G>A, p.Gly148Ser (NM_199263.3); short protein forms G148S.
Identifiers: ClinVar variation 3257007 (VCV003257007.17).